The following is an entry in ClinVar:

NM_004415.4(DSP):c.7194T>A (p.Asn2398Lys)

Gene: DSP (desmoplakin; plus strand). Cytogenetic location: 6p24.3.
Variant type: single nucleotide variant.
Coding change: c.7194T>A on transcript NM_004415.4 (MANE Select); coding-DNA position 7194, T replaced by A.
Protein change: p.Asn2398Lys; replaces asparagine 2398 with lysine.
Molecular consequence: missense variant.
Genome position (GRCh38, 1-based): chr6:7,584,456, T>A. VCF-style: chr6-7584456-T-A. GRCh37 (hg19) VCF-style: chr6-7584689-T-A.
Other names: c.5397T>A, p.Asn1799Lys (NM_001008844.3); c.5865T>A, p.Asn1955Lys (NM_001319034.2); short protein forms N1799K, N1955K, N2398K.
Identifiers: ClinVar variation 3070945 (VCV003070945.2), dbSNP rs2113701813, ClinGen allele CA362692444.
Genomic context (GRCh38, chr6:7,584,456, plus strand): 5'-TGACCCAAAGGAGAGCCATCGTTTACCAGTTGACATAGCATATAAGAGGGGCTATTTCAA[T>A]GAGGAACTCAGTGAGATTCTCTCAGATCCAAGTGATGATACCAAAGGATTTTTTGACCCC-3'
Protein context (NP_004406.2, residues 2388-2408): VDIAYKRGYF[Asn2398Lys]EELSEILSDP

ClinVar aggregate classification (germline): Uncertain significance. Review status: criteria provided, multiple submitters, no conflicts (2 of 4 stars). 2 submissions from 2 submitters: Uncertain significance (2). Last evaluated 2025-01-19.

Conditions:
Arrhythmogenic cardiomyopathy with wooly hair and keratoderma. Also called: PALMOPLANTAR KERATODERMA WITH LEFT VENTRICULAR CARDIOMYOPATHY AND WOOLLY HAIR; Carvajal syndrome; Dilated cardiomyopathy with woolly hair and keratoderma; Arrhythmogenic cardiomyopathy with woolly hair and keratoderma. Identifiers: Orphanet 65282, MedGen C1854063, MONDO:0011581, OMIM 605676.
Cardiomyopathy (CMYO). Also called: Cardiomyopathies. Identifiers: Orphanet 167848, MedGen C0878544, MONDO:0004994, HP:0001638. Inheritance: Various modes of inheritance.

Submissions (2):

Color Diagnostics, LLC DBA Color Health
Classification: Uncertain significance for Cardiomyopathy. Last evaluated: 2025-01-19. Review status: criteria provided, single submitter. Criteria: ACMG Guidelines, 2015. Collection method: clinical testing. Allele origin: germline.
Comment: This missense variant replaces asparagine with lysine at codon 2398 of the DSP protein. Computational prediction suggests that this variant may not impact protein structure and function (internally defined REVEL score threshold <= 0.5, PMID: 27666373). To our knowledge, functional studies have not been reported for this variant. This variant has not been reported in individuals affected with DSP-related disorders in the literature. This variant has not been identified in the general population by the Genome Aggregation Database (gnomAD). The available evidence is insufficient to determine the role of this variant in disease conclusively. Therefore, this variant is classified as a Variant of Uncertain Significance.

All of Us Research Program, National Institutes of Health
Classification: Uncertain significance for Arrhythmogenic cardiomyopathy with wooly hair and keratoderma. Last evaluated: 2023-05-15. Review status: criteria provided, single submitter. Criteria: ACMG Guidelines, 2015. Collection method: clinical testing. Allele origin: germline. Inheritance: Autosomal dominant inheritance. Observed: 1 variant allele, 1 heterozygote.
Comment: This missense variant replaces asparagine with lysine at codon 2398 of the DSP protein. Computational prediction suggests that this variant may not impact protein structure and function (internally defined REVEL score threshold <= 0.5, PMID: 27666373). To our knowledge, functional studies have not been reported for this variant. This variant has not been reported in individuals affected with DSP-related disorders in the literature. This variant has not been identified in the general population by the Genome Aggregation Database (gnomAD). The available evidence is insufficient to determine the role of this variant in disease conclusively. Therefore, this variant is classified as a Variant of Uncertain Significance.

This study involves interpretation of variants in research participants for the purpose of population health screening. Participant phenotype was not available at the time of variant classification. Additional details can be found in publication PMID: 35346344, PMCID: PMC8962531